The following is an entry in ClinVar:

NM_001873.4(CPE):c.942C>A (p.Thr314=)

Gene: CPE (carboxypeptidase E; plus strand). Cytogenetic location: 4q32.3.
Variant type: single nucleotide variant.
Coding change: c.942C>A on transcript NM_001873.4 (MANE Select); coding-DNA position 942, C replaced by A.
Protein change: p.Thr314=; no amino-acid change (threonine 314 retained).
Molecular consequence: synonymous variant.
Genome position (GRCh38, 1-based): chr4:165,484,573, C>A. VCF-style: chr4-165484573-C-A. GRCh37 (hg19) VCF-style: chr4-166405725-C-A.
Identifiers: ClinVar variation 3345175 (VCV003345175.1).

ClinVar aggregate classification (germline): Likely benign (0 of 4 stars; one submission).

Conditions:
CPE-related disorder. Also called: CPE-related condition.

gnomAD v4.1: 1 of 1,614,048 alleles (0.000062%); highest among the groups gnomAD compares: African/African-American, 0.0013%; no homozygotes.

Submission:

PreventionGenetics, part of Exact Sciences
Classification: Likely benign for CPE-related condition. Last evaluated: 2024-09-18. Review status: no assertion criteria provided. Collection method: clinical testing. Allele origin: germline.
Comment: This variant is classified as likely benign based on ACMG/AMP sequence variant interpretation guidelines (Richards et al. 2015 PMID: 25741868, with internal and published modifications).